The following is an entry in ClinVar:

NM_000297.4(PKD2):c.1445T>G (p.Phe482Cys)

Gene: PKD2 (polycystin 2, transient receptor potential cation channel; plus strand). Cytogenetic location: 4q22.1.
Variant type: single nucleotide variant.
Coding change: c.1445T>G on transcript NM_000297.4 (MANE Select); coding-DNA position 1445, T replaced by G.
Protein change: p.Phe482Cys; replaces phenylalanine 482 with cysteine.
Molecular consequence: missense variant. On other transcripts: non-coding transcript variant (1).
Genome position (GRCh38, 1-based): chr4:88,046,767, T>G. VCF-style: chr4-88046767-T-G. GRCh37 (hg19) VCF-style: chr4-88967919-T-G.
Other names: short protein forms F482C.
Identifiers: ClinVar variation 219481 (VCV000219481.65), dbSNP rs75762896, ClinGen allele CA350573.

ClinVar aggregate classification (germline): Conflicting classifications of pathogenicity. Review status: criteria provided, conflicting classifications (1 of 4 stars). 15 submissions from 15 submitters: Uncertain significance (1); Benign (6); Likely benign (4). 4 of the submissions do not count toward it. Last evaluated 2026-09-01.

Conditions:
Autosomal dominant polycystic kidney disease. Identifiers: Orphanet 730, MedGen C0085413, MONDO:0004691.
Polycystic kidney disease 2 (PKD2). Also called: POLYCYSTIC KIDNEY DISEASE, ADULT, TYPE II; Polycystic Kidney Disease 2, Autosomal Dominant; POLYCYSTIC KIDNEY DISEASE 2 WITH OR WITHOUT POLYCYSTIC LIVER DISEASE. Identifiers: MedGen C2751306, MONDO:0013131, OMIM 613095.
Polycystic kidney disease. Also called: Polycystic kidney dysplasia; Kidney, Polycystic. Identifiers: MedGen C0022680, MeSH D007690, MONDO:0020642, HP:0000113.

Allele frequency attached by ClinVar (database versions not stated): 1000 Genomes Project 30x 0.00078; 1000 Genomes Project 0.00100; TOPMed 0.00169; gnomAD 0.00176 and 0.00180; gnomAD exomes 0.00204; ExAC 0.00212; ESP Exome Variant Server 0.00238.
gnomAD v4.1: 3,506 of 1,611,890 alleles (0.22%); highest among the groups gnomAD compares: Middle Eastern, 3%; 13 homozygotes.

Submissions (15):

CeGaT Center for Human Genetics Tuebingen
Classification: Likely benign. Last evaluated: 2026-09-01. Review status: criteria provided, single submitter. Criteria: CeGaT Center For Human Genetics Tuebingen Variant Classification Criteria Version 2. Collection method: clinical testing. Allele origin: germline. Affected: yes. Observed: 7 variant alleles.
Comment: PKD2: PM5, BP4, BS1

Labcorp Genetics (formerly Invitae), Labcorp
Classification: Benign for Autosomal dominant polycystic kidney disease. Last evaluated: 2026-02-04. Review status: criteria provided, single submitter. Criteria: Invitae Variant Classification Sherloc (09022015). Collection method: clinical testing. Allele origin: germline.

Genomic Medicine Center of Excellence, King Faisal Specialist Hospital and Research Centre
Classification: Likely benign for Autosomal dominant polycystic kidney disease. Last evaluated: 2025-07-30. Review status: criteria provided, single submitter. Criteria: ACMG Guidelines, 2015. Collection method: clinical testing. Allele origin: germline.

Blueprint Genetics
Classification: Benign. Last evaluated: 2024-11-12. Review status: criteria provided, single submitter. Criteria: ACMG Guidelines, 2015. Collection method: clinical testing. Allele origin: germline.

Mayo Clinic Laboratories, Mayo Clinic
Classification: Benign. Last evaluated: 2024-10-08. Review status: criteria provided, single submitter. Criteria: ACMG Guidelines, 2015. Collection method: clinical testing. Allele origin: germline. Observed: 6 variant alleles.
Comment: BS1, BS2, BP4

Athena Diagnostics
Classification: Benign. Last evaluated: 2024-01-04. Review status: criteria provided, single submitter. Criteria: Athena Diagnostics Criteria. Collection method: clinical testing. Allele origin: unknown.

GeneDx
Classification: Likely benign. Last evaluated: 2021-01-15. Review status: criteria provided, single submitter. Criteria: GeneDx Variant Classification Process June 2021. Collection method: clinical testing. Allele origin: germline. Affected: yes.
Comment: This variant is associated with the following publications: (PMID: 32859249, 18257781, 27894351, 27884173, 18837007, 22995991, 22863349, 31349084)

ARUP Laboratories, Molecular Genetics and Genomics, ARUP Laboratories
Classification: Benign for Polycystic kidney disease 2. Last evaluated: 2020-05-07. Review status: criteria provided, single submitter. Criteria: ARUP Molecular Germline Variant Investigation Process. Collection method: clinical testing. Allele origin: germline.

Illumina Laboratory Services, Illumina
Classification: Uncertain significance for Polycystic kidney disease 2. Last evaluated: 2017-04-27. Review status: criteria provided, single submitter. Criteria: ICSL Variant Classification Criteria 13 December 2019. Collection method: clinical testing. Allele origin: germline.

Eurofins Ntd Llc (ga)
Classification: Benign. Last evaluated: 2015-08-03. Review status: criteria provided, single submitter. Criteria: EGL Classification Definitions 2015. Collection method: clinical testing. Allele origin: germline. Observed: 2 variant alleles, 2 heterozygotes.

PreventionGenetics, part of Exact Sciences
Classification: Likely benign. Review status: criteria provided, single submitter. Criteria: ACMG Guidelines, 2015. Collection method: clinical testing. Allele origin: germline.

Department of Pathology and Laboratory Medicine, Sinai Health System
Classification: Likely benign for Polycystic Kidney disease. Review status: no assertion criteria provided. Collection method: clinical testing. Allele origin: unknown. Affected: yes. Observed: 1 variant allele. Study: The Canadian Open Genetics Repository (COGR). Not counted in ClinVar's aggregate classification.
Comment: The PKD2 p.Phe482Cys variant was identified in 7 of 954 proband chromosomes (frequency: 0.01) from individuals or families with ADPKD (Bataille 2011, Dedoussis 2008, Edrees 2016, Robinson 2012, Rossetti 2012, Tan 2008). The variant was also identified in the following databases: dbSNP (ID: rs75762896) as With other allele, ClinVar (classified as benign by Invitae; as likely benign by Prevention), Clinvitae , LOVD 3.0, ADPKD Mutation Database (classified as likely neutral). The variant was not identified in the COGR, or PKD1-LOVD databases. The variant was identified in control databases in 548 of 277128 chromosomes (3 homozygous) at a frequency of 0.002 increasing the likelihood this could be a low frequency benign variant (Genome Aggregation Database Feb 27, 2017). Observations by population include African in 7 of 24034 chromosomes (freq: 0.0003), â€šÃ„ÃºOtherâ€šÃ„Ã¹ in 38 of 6462 chromosomes (freq: 0.01), Latino in 67 of 34416 chromosomes (freq: 0.002), EuropeanNon-Finnish in 302 of 126624 chromosomes (freq: 0.002), AshkenaziJewish in 102 of 10152 chromosomes (freq: 0.01), EuropeanFinnish in 3 of 25792 chromosomes (freq: 0.0001), and SouthAsian in 29 of 30782 chromosomes (freq: 0.001); it was not observed in the EastAsian population. The p.Phe482 residue is conserved in mammals but not in more distantly related organisms, and four out of five computational analyses (PolyPhen-2, SIFT, AlignGVGD, BLOSUM, MutationTaster) suggest that the variant may impact the protein; however, this information is not predictive enough to assume pathogenicity. The variant occurs outside of the splicing consensus sequence and in silico or computational prediction software programs (SpliceSiteFinder, MaxEntScan, NNSPLICE, GeneSplicer, HumanSpliceFinder) do not predict a difference in splicing. The variant was identified with a co-occurring pathogenic PKD1 variant (IVS21â€šÃ„Ã¬2delAG), increasing the likelihood that the p.Phe482Cys variant does not have clinical significance (Dedoussis 2008). In summary, based on the above information, the clinical significance of this variant cannot be determined with certainty at this time although we would lean towards a more benign role for this variant. This variant is classified as likely benign.

Diagnostic Laboratory, Department of Genetics, University Medical Center Groningen
Classification: Likely benign. Review status: no assertion criteria provided. Collection method: clinical testing. Allele origin: germline. Affected: yes. Study: VKGL Data-share Consensus. Not counted in ClinVar's aggregate classification.

Genome Diagnostics Laboratory, University Medical Center Utrecht
Classification: Likely benign. Review status: no assertion criteria provided. Collection method: clinical testing. Allele origin: germline. Affected: yes. Study: VKGL Data-share Consensus. Not counted in ClinVar's aggregate classification.

Laboratory of Diagnostic Genome Analysis, Leiden University Medical Center (LUMC)
Classification: Likely benign. Review status: no assertion criteria provided. Collection method: clinical testing. Allele origin: germline. Affected: yes. Study: VKGL Data-share Consensus. Not counted in ClinVar's aggregate classification.

Literature cited by the submitters: PubMed 22995991 (cited by Athena Diagnostics); PubMed 22863349 (cited by Athena Diagnostics); PubMed 27894351 (cited by Athena Diagnostics); PubMed 18837007 (cited by Athena Diagnostics); PubMed 27401137 (cited by Athena Diagnostics); PubMed 24374109 (cited by Athena Diagnostics); PubMed 22008521 (cited by Athena Diagnostics); PubMed 36422197 (cited by Athena Diagnostics); PubMed 30858458 (cited by Athena Diagnostics); PubMed 33964006 (cited by Athena Diagnostics); PubMed 22383692 (cited by Athena Diagnostics); PubMed 32457805 (cited by Athena Diagnostics); PubMed 18257781 (cited by Athena Diagnostics); PubMed 27884173 (cited by Athena Diagnostics).